The following is an entry in ClinVar:

ClinVar aggregate classification (germline): Uncertain significance. Review status: criteria provided, multiple submitters, no conflicts (2 of 4 stars). 2 submissions from 2 submitters: Uncertain significance (2). Last evaluated 2025-01-28.

Allele frequency attached by ClinVar (database versions not stated): gnomAD exomes below 0.00001; TOPMed 0.00001; gnomAD 0.00002.
gnomAD v4.1: 4 of 1,552,326 alleles (0.00026%); highest among the groups gnomAD compares: African/African-American, 0.0055%; no homozygotes.

Submissions (2):

Women's Health and Genetics/Laboratory Corporation of America, LabCorp
Classification: Uncertain significance. Last evaluated: 2025-01-28. Review status: criteria provided, single submitter. Criteria: LabCorp Variant Classification Summary - May 2015. Collection method: clinical testing. Allele origin: germline.
Comment: Variant summary: COL4A2 c.3548C>T (p.Ala1183Val) results in a non-conservative amino acid change located in the Collagen triple helix repeat (20 copies) (IPR008160) of the encoded protein sequence. Four of five in-silico tools predict a benign effect of the variant on protein function. The variant was absent in 154720 control chromosomes. The available data on variant occurrences in the general population are insufficient to allow any conclusion about variant significance. To our knowledge, no occurrence of c.3548C>T in individuals affected with Porencephaly 2 and no experimental evidence demonstrating its impact on protein function have been reported. ClinVar contains an entry for this variant (Variation ID: 2900282). Based on the evidence outlined above, the variant was classified as uncertain significance.

Labcorp Genetics (formerly Invitae), Labcorp
Classification: Uncertain significance. Last evaluated: 2024-02-12. Review status: criteria provided, single submitter. Criteria: Invitae Variant Classification Sherloc (09022015). Collection method: clinical testing. Allele origin: germline.
Comment: This sequence change replaces alanine, which is neutral and non-polar, with valine, which is neutral and non-polar, at codon 1183 of the COL4A2 protein (p.Ala1183Val). This variant is not present in population databases (gnomAD no frequency). This variant has not been reported in the literature in individuals affected with COL4A2-related conditions. Advanced modeling of protein sequence and biophysical properties (such as structural, functional, and spatial information, amino acid conservation, physicochemical variation, residue mobility, and thermodynamic stability) performed at Invitae indicates that this missense variant is not expected to disrupt COL4A2 protein function with a negative predictive value of 95%. In summary, the available evidence is currently insufficient to determine the role of this variant in disease. Therefore, it has been classified as a Variant of Uncertain Significance.

NM_001846.4(COL4A2):c.3548C>T (p.Ala1183Val)

Gene: COL4A2 (collagen type IV alpha 2 chain; plus strand). Cytogenetic location: 13q34.
Variant type: single nucleotide variant.
Coding change: c.3548C>T on transcript NM_001846.4 (MANE Select); coding-DNA position 3548, C replaced by T.
Protein change: p.Ala1183Val; replaces alanine 1183 with valine.
Molecular consequence: missense variant.
Genome position (GRCh38, 1-based): chr13:110,492,163, C>T. VCF-style: chr13-110492163-C-T. GRCh37 (hg19) VCF-style: chr13-111144510-C-T.
Other names: short protein forms A1183V.
Identifiers: ClinVar variation 2900282 (VCV002900282.5), dbSNP rs1883305671, ClinGen allele CA388732550.
Genomic context (GRCh38, chr13:110,492,163, plus strand): 5'-AGGGAGAGCTGGGGCGGATTGGACTGCCTGGTGGCAAAGGAGATGATGGCTGGCCGGGAG[C>T]TCCGGGCTTACCAGGTAAGGTCACGTAAAACACGTGGTCACCCAGACCCAGAGTCGTGGG-3'
Protein context (NP_001837.2, residues 1173-1193): GGKGDDGWPG[Ala1183Val]PGLPGFPGLR